The following is an entry in ClinVar:

ClinVar aggregate classification (germline): Likely benign. Review status: criteria provided, multiple submitters, no conflicts (2 of 4 stars). 4 submissions from 4 submitters: Likely benign (4). Last evaluated 2026-04-02.

Conditions:
COL9A3-related disorder. Also called: COL9A3-related condition.

Allele frequency attached by ClinVar (database versions not stated): gnomAD 0.00013 and 0.00014; gnomAD exomes 0.00014; ESP Exome Variant Server 0.00015; TOPMed 0.00020; ExAC 0.00022.
gnomAD v4.1: 201 of 1,600,364 alleles (0.013%); highest among the groups gnomAD compares: Middle Eastern, 0.083%; no homozygotes.

Submissions (4):

PreventionGenetics, part of Exact Sciences
Classification: Likely benign for COL9A3-related condition. Last evaluated: 2026-04-02. Review status: criteria provided, single submitter. Criteria: ACMG Guidelines, 2015. Collection method: clinical testing. Allele origin: germline.
Comment: This variant is classified as likely benign based on ACMG/AMP sequence variant interpretation guidelines (Richards et al. 2015 PMID: 25741868, with internal and published modifications).

Labcorp Genetics (formerly Invitae), Labcorp
Classification: Likely benign. Last evaluated: 2026-02-01. Review status: criteria provided, single submitter. Criteria: Invitae Variant Classification Sherloc (09022015). Collection method: clinical testing. Allele origin: germline.

Women's Health and Genetics/Laboratory Corporation of America, LabCorp
Classification: Likely benign. Last evaluated: 2025-04-30. Review status: criteria provided, single submitter. Criteria: LabCorp Variant Classification Summary - May 2015. Collection method: clinical testing. Allele origin: germline.

Blueprint Genetics
Classification: Likely benign. Last evaluated: 2024-06-24. Review status: criteria provided, single submitter. Criteria: ACMG Guidelines, 2015. Collection method: clinical testing. Allele origin: germline.

NM_001853.4(COL9A3):c.520-5G>A

Gene: COL9A3 (collagen type IX alpha 3 chain; plus strand). Cytogenetic location: 20q13.33.
Variant type: single nucleotide variant.
Coding change: c.520-5G>A on transcript NM_001853.4 (MANE Select); 5 bases into the intron before coding-DNA position 520, G replaced by A.
Molecular consequence: intron variant.
Genome position (GRCh38, 1-based): chr20:62,824,440, G>A. VCF-style: chr20-62824440-G-A. GRCh37 (hg19) VCF-style: chr20-61455792-G-A.
Identifiers: ClinVar variation 742754 (VCV000742754.14), dbSNP rs372593417, ClinGen allele CA9949341.
Genomic context (GRCh38, chr20:62,824,440, plus strand): 5'-ACCCCTGCGTCGGACGTCCTGCTCTGTTTGGCTGGGAGGGGTCTGACTGCTCTGTTTTCC[G>A]ACAGTGCCCAAGTATCTGCCCGCCAGGTCCCCCAGGGCCCCCTGGAATGCCAGGGTTCAA-3'